The following is an entry in ClinVar:

ClinVar aggregate classification (germline): Uncertain significance. Review status: criteria provided, multiple submitters, no conflicts (2 of 4 stars). 2 submissions from 2 submitters: Uncertain significance (2). Last evaluated 2025-12-17.

Conditions:
Hereditary cancer-predisposing syndrome. Also called: Neoplastic Syndromes, Hereditary; Tumor predisposition; Hereditary Cancer Syndrome; Hereditary neoplastic syndrome. Identifiers: Orphanet 140162, MedGen C0027672, MeSH D009386, MONDO:0015356.
Multiple endocrine neoplasia, type 2 (MEN2). Identifiers: Orphanet 653, MedGen C4048306, MONDO:0019003. Disease mechanism: gain of function.

Submissions (2):

Labcorp Genetics (formerly Invitae), Labcorp
Classification: Uncertain significance for Multiple endocrine neoplasia, type 2. Last evaluated: 2025-12-17. Review status: criteria provided, single submitter. Criteria: Invitae Variant Classification Sherloc (09022015). Collection method: clinical testing. Allele origin: germline.
Comment: This sequence change replaces aspartic acid, which is acidic and polar, with histidine, which is basic and polar, at codon 707 of the RET protein (p.Asp707His). This variant is not present in population databases (gnomAD no frequency). This variant has not been reported in the literature in individuals affected with RET-related conditions. ClinVar contains an entry for this variant (Variation ID: 1786207). An algorithm developed to predict the effect of missense changes on protein structure and function (PolyPhen-2) suggests that this variant is likely to be disruptive. In summary, the available evidence is currently insufficient to determine the role of this variant in disease. Therefore, it has been classified as a Variant of Uncertain Significance.

Ambry Genetics
Classification: Uncertain significance for Hereditary cancer-predisposing syndrome. Last evaluated: 2024-11-17. Review status: criteria provided, single submitter. Criteria: Ambry Variant Classification Scheme 2023. Collection method: clinical testing. Allele origin: germline.
Comment: The p.D707H variant (also known as c.2119G>C), located in coding exon 11 of the RET gene, results from a G to C substitution at nucleotide position 2119. The aspartic acid at codon 707 is replaced by histidine, an amino acid with similar properties. This amino acid position is conserved. In addition, this alteration is predicted to be deleterious by in silico analysis. Since supporting evidence is limited at this time, the clinical significance of this alteration remains unclear.

NM_020975.6(RET):c.2119G>C (p.Asp707His)

Gene: RET (ret proto-oncogene; plus strand). Cytogenetic location: 10q11.21.
Variant type: single nucleotide variant.
Coding change: c.2119G>C on transcript NM_020975.6 (MANE Select); coding-DNA position 2119, G replaced by C.
Protein change: p.Asp707His; replaces aspartic acid 707 with histidine.
Molecular consequence: missense variant.
Genome position (GRCh38, 1-based): chr10:43,114,719, G>C. VCF-style: chr10-43114719-G-C. GRCh37 (hg19) VCF-style: chr10-43610167-G-C.
Other names: c.1681G>C, p.Asp561His (NM_001406771.1, NM_001406773.1); c.1723G>C, p.Asp575His (NM_001406772.1, NM_001406769.1); c.1594G>C, p.Asp532His (NM_001406774.1); c.1393G>C, p.Asp465His (NM_001406775.1, NM_001406776.1, NM_001406777.1 and 1 more transcripts); c.1222G>C, p.Asp408His (NM_001406779.1, NM_001406780.1, NM_001406781.1 and 1 more transcripts); c.1093G>C, p.Asp365His (NM_001406783.1, NM_001406786.1); c.1129G>C, p.Asp377His (NM_001406784.1); c.1102G>C, p.Asp368His (NM_001406785.1); and 10 more; short protein forms D363H, D408H, D611H, D707H, D368H, D312H, D453H, D532H.
Identifiers: ClinVar variation 1786207 (VCV001786207.8), dbSNP rs2132855232, ClinGen allele CA376553350.
Genomic context (GRCh38, chr10:43,114,719, plus strand): 5'-TACTCCTCTTCCGGTGCCCGCCGGCCCTCGCTGGACTCCATGGAGAACCAGGTCTCCGTG[G>C]ATGCCTTCAAGATCCTGGTGAGGGTCCCTGCGGGGCAGGGAAGATCCCCTGCCCTCCCCA-3'
Protein context (NP_066124.1, residues 697-717): LDSMENQVSV[Asp707His]AFKILEDPKW